The following is an entry in ClinVar:

NM_004100.5(EYA4):c.305C>T (p.Pro102Leu)

Genes: EYA4 (EYA transcriptional coactivator and phosphatase 4; plus strand), EYA4-AS2 (EYA4 antisense RNA 2; minus strand). Cytogenetic location: 6q23.2.
Variant type: single nucleotide variant.
Coding change: c.305C>T on transcript NM_004100.5 (MANE Select); coding-DNA position 305, C replaced by T.
Protein change: p.Pro102Leu; replaces proline 102 with leucine.
Molecular consequence: missense variant. On other transcripts: non-coding transcript variant (1), intron variant (2).
Genome position (GRCh38, 1-based): chr6:133,456,583, C>T. VCF-style: chr6-133456583-C-T. GRCh37 (hg19) VCF-style: chr6-133777721-C-T.
Other names: c.305C>T, p.Pro102Leu (NM_001301013.2, NM_172105.4); c.236C>T, p.Pro79Leu (NM_001370458.1, NM_172103.4); c.209-4531C>T (NM_001370459.1, NM_001301012.2); short protein forms P102L, P79L.
Identifiers: ClinVar variation 4803498 (VCV004803498.1).

ClinVar aggregate classification (germline): Uncertain significance (1 of 4 stars; one submission).

Conditions:
Dilated cardiomyopathy 1J (CMD1J). Also called: CARDIOMYOPATHY, DILATED, WITH SENSORINEURAL HEARING LOSS, AUTOSOMAL DOMINANT. Identifiers: Orphanet 217622, MedGen C1854368, MONDO:0011541, OMIM 605362.

gnomAD v4.1: 9 of 1,613,102 alleles (0.00056%); highest among the groups gnomAD compares: Non-Finnish European, 0.00076%; no homozygotes.

Submission:

Labcorp Genetics (formerly Invitae), Labcorp
Classification: Uncertain significance for Dilated cardiomyopathy 1J. Last evaluated: 2025-12-16. Review status: criteria provided, single submitter. Criteria: Invitae Variant Classification Sherloc (09022015). Collection method: clinical testing. Allele origin: germline.
Comment: This sequence change replaces proline, which is neutral and non-polar, with leucine, which is neutral and non-polar, at codon 102 of the EYA4 protein (p.Pro102Leu). This variant is not present in population databases (gnomAD no frequency). This variant has not been reported in the literature in individuals affected with EYA4-related conditions. An algorithm developed to predict the effect of missense changes on protein structure and function (PolyPhen-2) suggests that this variant is likely to be disruptive. In summary, the available evidence is currently insufficient to determine the role of this variant in disease. Therefore, it has been classified as a Variant of Uncertain Significance.